The following is an entry in ClinVar:

NM_032776.3(JMJD1C):c.2800C>T (p.Arg934Trp)

Gene: JMJD1C (jumonji domain containing 1C; minus strand). Cytogenetic location: 10q21.3.
Variant type: single nucleotide variant.
Coding change: c.2800C>T on transcript NM_032776.3 (MANE Select); coding-DNA position 2800, C replaced by T.
Protein change: p.Arg934Trp; replaces arginine 934 with tryptophan.
Molecular consequence: missense variant. On other transcripts: non-coding transcript variant (1).
Genome position (GRCh38, 1-based): chr10:63,209,130, G>A on the plus strand (C>T on the coding strand, the complement: JMJD1C is on the minus strand). VCF-style: chr10-63209130-G-A. GRCh37 (hg19) VCF-style: chr10-64968890-G-A.
Other names: c.2254C>T, p.Arg752Trp (NM_001282948.2, NM_001318154.2); c.1936C>T, p.Arg646Trp (NM_001318153.2); c.2686C>T, p.Arg896Trp (NM_001322252.2); c.2143C>T, p.Arg715Trp (NM_001322254.2, NM_001322258.2); short protein forms R646W, R715W, R752W, R896W, R934W.
Identifiers: ClinVar variation 857586 (VCV000857586.9), dbSNP rs758031280, ClinGen allele CA5518560.

ClinVar aggregate classification (germline): Uncertain significance (1 of 4 stars; one submission).

Conditions:
Early Myoclonic Encephalopathy. Identifiers: MedGen C0270855.

Allele frequency attached by ClinVar (database versions not stated): gnomAD exomes 0.00001; TOPMed 0.00002; gnomAD 0.00001; ExAC 0.00001.
gnomAD v4.1: 10 of 1,613,778 alleles (0.00062%); highest among the groups gnomAD compares: East Asian, 0.0045%; no homozygotes.

Submission:

Labcorp Genetics (formerly Invitae), Labcorp
Classification: Uncertain significance for Early Myoclonic Encephalopathy. Last evaluated: 2022-08-16. Review status: criteria provided, single submitter. Criteria: Invitae Variant Classification Sherloc (09022015). Collection method: clinical testing. Allele origin: germline.
Comment: Algorithms developed to predict the effect of missense changes on protein structure and function are either unavailable or do not agree on the potential impact of this missense change (SIFT: "Deleterious"; PolyPhen-2: "Probably Damaging"; Align-GVGD: "Class C0"). This sequence change replaces arginine, which is basic and polar, with tryptophan, which is neutral and slightly polar, at codon 934 of the JMJD1C protein (p.Arg934Trp). This variant is present in population databases (rs758031280, gnomAD 0.007%). This variant has not been reported in the literature in individuals affected with JMJD1C-related conditions. ClinVar contains an entry for this variant (Variation ID: 857586). Algorithms developed to predict the effect of sequence changes on RNA splicing suggest that this variant may disrupt the consensus splice site. In summary, the available evidence is currently insufficient to determine the role of this variant in disease. Therefore, it has been classified as a Variant of Uncertain Significance.